The following is an entry in ClinVar:

NM_182641.4(BPTF):c.4072G>A (p.Gly1358Ser)

Gene: BPTF (bromodomain PHD finger transcription factor; plus strand). Cytogenetic location: 17q24.2.
Variant type: single nucleotide variant.
Coding change: c.4072G>A on transcript NM_182641.4 (MANE Select); coding-DNA position 4072, G replaced by A.
Protein change: p.Gly1358Ser; replaces glycine 1358 with serine.
Molecular consequence: missense variant.
Genome position (GRCh38, 1-based): chr17:67,911,956, G>A. VCF-style: chr17-67911956-G-A. GRCh37 (hg19) VCF-style: chr17-65908072-G-A.
Other names: c.4450G>A, p.Gly1484Ser (NM_004459.7); short protein forms G1358S, G1484S.
Identifiers: ClinVar variation 1710043 (VCV001710043.2), dbSNP rs2062682045, ClinGen allele CA400728589.

ClinVar aggregate classification (germline): Uncertain significance (1 of 4 stars; one submission).

Conditions:
Neurodevelopmental disorder with dysmorphic facies and distal limb anomalies. Identifiers: Orphanet 686482, MedGen C4540327, MONDO:0060596, OMIM 617755.

Allele frequency attached by ClinVar (database versions not stated): gnomAD exomes below 0.00001.
gnomAD v4.1: 1 of 1,613,874 alleles (0.000062%); highest among the groups gnomAD compares: Non-Finnish European, 0.000085%; no homozygotes.

Submission:

MGZ Medical Genetics Center
Classification: Uncertain significance for Neurodevelopmental disorder with dysmorphic facies and distal limb anomalies. Last evaluated: 2021-09-24. Review status: criteria provided, single submitter. Criteria: ACMG Guidelines, 2015. Collection method: clinical testing. Allele origin: germline. Affected: yes. Observed: 1 variant allele.
Comment: ACMG criteria applied: PM2_SUP, PP3, BS2